The following is an entry in ClinVar:

ClinVar aggregate classification (germline): Pathogenic (1 of 4 stars; one submission).

Conditions:
Oligodontia-cancer predisposition syndrome. Also called: TOOTH AGENESIS-COLORECTAL CANCER SYNDROME. Identifiers: Orphanet 300576, MedGen C1837750, MONDO:0012075, OMIM 608615. Disease mechanism: loss of function.

Submission:

Myriad Genetics, Inc.
Classification: Pathogenic for Oligodontia-cancer predisposition syndrome. Last evaluated: 2023-05-17. Review status: criteria provided, single submitter. Criteria: Myriad Autosomal Dominant, Autosomal Recessive and X-Linked Classification Criteria (2023). Collection method: clinical testing. Allele origin: unknown.
Comment: This variant is considered pathogenic. This variant creates a frameshift predicted to result in premature protein truncation.

NM_004655.4(AXIN2):c.1321_1325del (p.Asp441fs)

Gene: AXIN2 (axin 2; minus strand). Cytogenetic location: 17q24.1.
Variant type: Deletion.
Coding change: c.1321_1325del on transcript NM_004655.4 (MANE Select); coding-DNA positions 1321 to 1325, 5 bases deleted (GATCA; older notation c.1321_1325delGATCA).
Protein change: p.Asp441fs; shifts the reading frame from aspartic acid 441.
Molecular consequence: frameshift variant.
Genome position (GRCh38, 1-based): chr17:65,537,711-65,537,715, TGATC deleted on the plus strand (GATCA on the coding strand, the reverse complement: AXIN2 is on the minus strand). VCF-style (leftmost placement, unchanged base first): chr17-65537710-GTGATC-G. GRCh37 (hg19) VCF-style: chr17-63533828-GTGATC-G.
Other names: c.1321_1325del, p.Asp441fs (NM_001363813.1); short protein forms D441fs.
Identifiers: ClinVar variation 2583629 (VCV002583629.2), dbSNP rs2509416773, ClinGen allele CA2582342309.
Genomic context (GRCh38, chr17:65,537,710, plus strand): 5'-GGGGCTATAGCGGCCTACGCCTGGAGACTGGCAGCCAGGGGTCTTGAGGACCCTGGACAG[GTGATC>G]GTCCAGTATCGTCTGCGGGTCTTCCTCGTAGCTGCCGGAGGGCAGTAGGGAGAGGGGGTG-3'